The following is an entry in ClinVar:

ClinVar aggregate classification (germline): Uncertain significance (1 of 4 stars; one submission).

Allele frequency attached by ClinVar (database versions not stated): TOPMed below 0.00001.
gnomAD v4.1: 2 of 1,579,186 alleles (0.00013%); highest among the groups gnomAD compares: Non-Finnish European, 0.00017%; no homozygotes.

Submission:

Labcorp Genetics (formerly Invitae), Labcorp
Classification: Uncertain significance. Last evaluated: 2022-05-25. Review status: criteria provided, single submitter. Criteria: Invitae Variant Classification Sherloc (09022015). Collection method: clinical testing. Allele origin: germline.
Comment: In summary, the available evidence is currently insufficient to determine the role of this variant in disease. Therefore, it has been classified as a Variant of Uncertain Significance. Algorithms developed to predict the effect of missense changes on protein structure and function output the following: SIFT: "Deleterious"; PolyPhen-2: "Benign"; Align-GVGD: "Class C0". The leucine amino acid residue is found in multiple mammalian species, which suggests that this missense change does not adversely affect protein function. This variant has not been reported in the literature in individuals affected with SIX5-related conditions. This variant is not present in population databases (gnomAD no frequency). This sequence change replaces valine, which is neutral and non-polar, with leucine, which is neutral and non-polar, at codon 393 of the SIX5 protein (p.Val393Leu).

NM_175875.5(SIX5):c.1177G>T (p.Val393Leu)

Gene: SIX5 (SIX homeobox 5; minus strand). Cytogenetic location: 19q13.32.
Variant type: single nucleotide variant.
Coding change: c.1177G>T on transcript NM_175875.5 (MANE Select); coding-DNA position 1177, G replaced by T.
Protein change: p.Val393Leu; replaces valine 393 with leucine.
Molecular consequence: missense variant.
Genome position (GRCh38, 1-based): chr19:45,766,782, C>A on the plus strand (G>T on the coding strand, the complement: SIX5 is on the minus strand). VCF-style: chr19-45766782-C-A. GRCh37 (hg19) VCF-style: chr19-46270040-C-A.
Other names: short protein forms V393L.
Identifiers: ClinVar variation 1966808 (VCV001966808.5), dbSNP rs1969085046, ClinGen allele CA406419166.